The following is an entry in ClinVar:

ClinVar aggregate classification (germline): Uncertain significance. Review status: criteria provided, multiple submitters, no conflicts (2 of 4 stars). 3 submissions from 3 submitters: Uncertain significance (3). Last evaluated 2024-05-22.

Conditions:
Inborn genetic diseases. Identifiers: MedGen C0950123, MeSH D030342.
Epidermolysis bullosa simplex 5B, with muscular dystrophy (EBS5B). Also called: Epidermolysis bullosa simplex with muscular dystrophy; EPIDERMOLYSIS BULLOSA SIMPLEX AND LIMB-GIRDLE MUSCULAR DYSTROPHY. Identifiers: Orphanet 257, MedGen C2931072, MONDO:0009181, OMIM 226670.
Epidermolysis bullosa simplex, Ogna type (EBS5A). Also called: Pidermolysis bullosa simplex 5A, Ogna type; EPIDERMOLYSIS BULLOSA SIMPLEX 5A, OGNA TYPE. Identifiers: Orphanet 79401, MedGen C0432317, MONDO:0007555, OMIM 131950.
Epidermolysis bullosa simplex 5C, with pyloric atresia (EBS5C). Also called: PLEC-Related Epidermolysis Bullosa with Pyloric Atresia; Epidermolysis bullosa simplex with pyloric atresia; PLEC1-Related Epidermolysis Bullosa with Pyloric Atresia. Identifiers: Orphanet 158684, MedGen C2677349, MONDO:0012807, OMIM 612138.
Autosomal recessive limb-girdle muscular dystrophy type 2Q (LGMDR17). Also called: MUSCULAR DYSTROPHY, LIMB-GIRDLE, AUTOSOMAL RECESSIVE 17. Identifiers: Orphanet 254361, MedGen C3150989, MONDO:0013390, OMIM 613723.
Epidermolysis bullosa simplex with nail dystrophy (EBS5D). Identifiers: MedGen C4225309, MONDO:0014661, OMIM 616487.

Allele frequency attached by ClinVar (database versions not stated): gnomAD 0.00003; TOPMed 0.00005; ExAC 0.00007.
gnomAD v4.1: 59 of 1,611,764 alleles (0.0037%); highest among the groups gnomAD compares: South Asian, 0.022%; no homozygotes.

Submissions (3):

Labcorp Genetics (formerly Invitae), Labcorp
Classification: Uncertain significance for Autosomal recessive limb-girdle muscular dystrophy type 2Q; Epidermolysis bullosa simplex, Ogna type; Epidermolysis bullosa simplex with nail dystrophy; Epidermolysis bullosa simplex 5C, with pyloric atresia; Epidermolysis bullosa simplex 5B, with muscular dystrophy. Last evaluated: 2024-05-22. Review status: criteria provided, single submitter. Criteria: Invitae Variant Classification Sherloc (09022015). Collection method: clinical testing. Allele origin: germline.
Comment: This sequence change replaces arginine, which is basic and polar, with histidine, which is basic and polar, at codon 4479 of the PLEC protein (p.Arg4479His). This variant is present in population databases (rs782264132, gnomAD 0.02%). This variant has not been reported in the literature in individuals affected with PLEC-related conditions. ClinVar contains an entry for this variant (Variation ID: 2046267). Advanced modeling of protein sequence and biophysical properties (such as structural, functional, and spatial information, amino acid conservation, physicochemical variation, residue mobility, and thermodynamic stability) performed at Invitae indicates that this missense variant is not expected to disrupt PLEC protein function with a negative predictive value of 80%. In summary, the available evidence is currently insufficient to determine the role of this variant in disease. Therefore, it has been classified as a Variant of Uncertain Significance.

Ambry Genetics
Classification: Uncertain significance for Inborn genetic diseases. Last evaluated: 2024-05-14. Review status: criteria provided, single submitter. Criteria: Ambry Variant Classification Scheme 2023. Collection method: clinical testing. Allele origin: germline.

Revvity Omics, Revvity
Classification: Uncertain significance. Last evaluated: 2023-08-02. Review status: criteria provided, single submitter. Criteria: ACMG Guidelines, 2015. Collection method: clinical testing. Allele origin: germline.

NM_201384.3(PLEC):c.13355G>A (p.Arg4452His)

Gene: PLEC (plectin; minus strand). Cytogenetic location: 8q24.3.
Variant type: single nucleotide variant.
Coding change: c.13355G>A on transcript NM_201384.3 (MANE Select); coding-DNA position 13355, G replaced by A.
Protein change: p.Arg4452His; replaces arginine 4452 with histidine.
Molecular consequence: missense variant.
Genome position (GRCh38, 1-based): chr8:143,916,466, C>T on the plus strand (G>A on the coding strand, the complement: PLEC is on the minus strand). VCF-style: chr8-143916466-C-T. GRCh37 (hg19) VCF-style: chr8-144990634-C-T.
Other names: c.13436G>A (NM_000445.3); c.13313G>A, p.Arg4438His (NM_201378.4); c.13289G>A, p.Arg4430His (NM_201379.3); c.13766G>A, p.Arg4589His (NM_201380.4); c.13259G>A, p.Arg4420His (NM_201381.3); c.13355G>A, p.Arg4452His (NM_201382.4); c.13367G>A, p.Arg4456His (NM_201383.3); c.13436G>A, p.Arg4479His (NM_000445.5); and 1 more; short protein forms R4452H, R3352H, R4420H, R4430H, R4438H, R4456H, R4589H, R4479H.
Identifiers: ClinVar variation 2046267 (VCV002046267.8), dbSNP rs782264132, ClinGen allele CA4923831.